The following is an entry in ClinVar:

ClinVar aggregate classification (germline): Uncertain significance. Review status: criteria provided, multiple submitters, no conflicts (2 of 4 stars). 2 submissions from 2 submitters: Uncertain significance (2). Last evaluated 2026-07-07.

Conditions:
Gorlin syndrome. Also called: Nevoid Basal Cell Carcinoma Syndrome; Basal cell nevus syndrome. Identifiers: Orphanet 377, MedGen C0004779, MONDO:0007187.
Hereditary cancer-predisposing syndrome. Also called: Hereditary Cancer Syndrome; Hereditary neoplastic syndrome; Neoplastic Syndromes, Hereditary; Tumor predisposition. Identifiers: Orphanet 140162, MedGen C0027672, MeSH D009386, MONDO:0015356.

Submissions (2):

Ambry Genetics
Classification: Uncertain significance for Hereditary cancer-predisposing syndrome. Last evaluated: 2026-07-07. Review status: criteria provided, single submitter. Criteria: Ambry Variant Classification Scheme 2023. Collection method: clinical testing. Allele origin: germline.
Comment: The p.P561R variant (also known as c.1682C>G), located in coding exon 14 of the PTCH1 gene, results from a C to G substitution at nucleotide position 1682. The proline at codon 561 is replaced by arginine, an amino acid with dissimilar properties. This amino acid position is conserved. In addition, the in silico prediction for this alteration is inconclusive. Based on the available evidence, the clinical significance of this variant remains unclear.

Labcorp Genetics (formerly Invitae), Labcorp
Classification: Uncertain significance for Gorlin syndrome. Last evaluated: 2025-08-25. Review status: criteria provided, single submitter. Criteria: Invitae Variant Classification Sherloc (09022015). Collection method: clinical testing. Allele origin: germline.
Comment: This sequence change replaces proline, which is neutral and non-polar, with arginine, which is basic and polar, at codon 627 of the PTCH1 protein (p.Pro627Arg). This variant is not present in population databases (gnomAD no frequency). This variant has not been reported in the literature in individuals affected with PTCH1-related conditions. Invitae Evidence Modeling of protein sequence and biophysical properties (such as structural, functional, and spatial information, amino acid conservation, physicochemical variation, residue mobility, and thermodynamic stability) has been performed for this missense variant. However, the output from this modeling did not meet the statistical confidence thresholds required to predict the impact of this variant on PTCH1 protein function. In summary, the available evidence is currently insufficient to determine the role of this variant in disease. Therefore, it has been classified as a Variant of Uncertain Significance.

NM_000264.5(PTCH1):c.1880C>G (p.Pro627Arg)

Genes: PTCH1 (patched 1; minus strand), LOC100507346 (uncharacterized LOC100507346; plus strand). Cytogenetic location: 9q22.32.
Variant type: single nucleotide variant.
Coding change: c.1880C>G on transcript NM_000264.5 (MANE Select); coding-DNA position 1880, C replaced by G.
Protein change: p.Pro627Arg; replaces proline 627 with arginine.
Molecular consequence: missense variant. On other transcripts: non-coding transcript variant (2).
Genome position (GRCh38, 1-based): chr9:95,469,121, G>C on the plus strand (C>G on the coding strand, the complement: PTCH1 is on the minus strand). VCF-style: chr9-95469121-G-C. GRCh37 (hg19) VCF-style: chr9-98231403-G-C.
Other names: c.1682C>G, p.Pro561Arg (NM_001083602.3); c.1877C>G, p.Pro626Arg (NM_001083603.3); c.1427C>G, p.Pro476Arg (NM_001083604.3, NM_001083605.3, NM_001083606.3 and 1 more transcripts); c.1724C>G, p.Pro575Arg (NM_001354918.2); short protein forms P476R, P561R, P626R, P627R, P575R.
Identifiers: ClinVar variation 4699052 (VCV004699052.2).